The following is an entry in ClinVar:

ClinVar aggregate classification (germline): Likely pathogenic (1 of 4 stars; one submission).

Conditions:
L1CAM-related disorder. Also called: L1CAM-related condition.

Submission:

PreventionGenetics, part of Exact Sciences
Classification: Likely pathogenic for L1CAM-related condition. Last evaluated: 2023-07-24. Review status: criteria provided, single submitter. Criteria: ACMG Guidelines, 2015. Collection method: clinical testing. Allele origin: germline.
Comment: The L1CAM c.3118delG variant is predicted to result in a frameshift and premature protein termination (p.Glu1040Argfs*63). To our knowledge, this variant has not been reported in the literature or in a large population database, indicating this variant is rare. Frameshift variants in L1CAM are expected to be pathogenic. This variant is interpreted as likely pathogenic.

NM_001278116.2(L1CAM):c.3118del (p.Glu1040fs)

Gene: L1CAM (L1 cell adhesion molecule; minus strand). Cytogenetic location: Xq28.
Variant type: Deletion.
Coding change: c.3118del on transcript NM_001278116.2 (MANE Select); coding-DNA position 3118, one base deleted (G; older notation c.3118delG).
Protein change: p.Glu1040fs; shifts the reading frame from glutamic acid 1040.
Molecular consequence: frameshift variant.
Genome position (GRCh38, 1-based): chrX:153,864,633, C deleted on the plus strand (G on the coding strand, the reverse complement: L1CAM is on the minus strand); the first of 2 consecutive C bases (chrX:153,864,633-153,864,634); deleting either gives the same sequence. VCF-style (leftmost placement, unchanged base first): chrX-153864632-TC-T. GRCh37 (hg19) VCF-style: chrX-153130087-TC-T.
Other names: c.3118del, p.Glu1040fs (NM_000425.5, NM_024003.3); c.3103del, p.Glu1035fs (NM_001143963.2); short protein forms E1035fs, E1040fs.
Identifiers: ClinVar variation 2631410 (VCV002631410.1), dbSNP rs2520967604, ClinGen allele CA2695197195.